The following is an entry in ClinVar:

NC_000009.11:g.(?_21968228)_(21971217_?)del

Gene: CDKN2A (cyclin dependent kinase inhibitor 2A; minus strand). Cytogenetic location: 9p21.3.
Variant type: Deletion.
Identifiers: ClinVar variation 2422310 (VCV002422310.4).

ClinVar aggregate classification (germline): Pathogenic (1 of 4 stars; one submission).

Conditions:
Familial melanoma. Also called: Hereditary melanoma; Hereditary cutaneous melanoma. Identifiers: Orphanet 618, MedGen C1512419, MONDO:0018961.

Submission:

Labcorp Genetics (formerly Invitae), Labcorp
Classification: Pathogenic for Familial melanoma. Last evaluated: 2022-01-19. Review status: criteria provided, single submitter. Criteria: Invitae Variant Classification Sherloc (09022015). Collection method: clinical testing. Allele origin: germline.
Comment: For these reasons, this variant has been classified as Pathogenic. While the evidence indicates that this variant confers risk of developing CDKN2A (p16INK4a)-associated conditions, its association with risk for developing CDKN2A (p14ARF)-associated conditions is still unclear. This variant disrupts a region of the CDKN2A (p16INK4a) protein in which other variant(s) (p.Val126Asp) have been determined to be pathogenic (Invitae). This suggests that this is a clinically significant region of the protein, and that variants that disrupt it are likely to be disease-causing. This variant is also known as Deletion (Exon 2-3) in CDKN2A (p14ARF) transcript. This variant has not been reported in the literature in individuals affected with CDKN2A (p16INK4a)-related conditions. This variant is a gross deletion of the genomic region encompassing exon(s) 2-3 of the CDKN2A (p16INK4a) gene, which includes the termination codon. This deletion extends beyond the assayed region for this gene and therefore may encompass additional genes. While this deletion is not anticipated to lead to nonsense mediated decay, it is expected to alter mRNA translation or result in a truncated protein product. The CDKN2A gene encodes two different proteins, p16INK4a and p14ARF, which are translated from alternative transcripts with different open reading frames. Both transcripts have been analyzed, we report either the variant with the higher classification or default to the CDKN2A (p16INK4a) variant. This report therefore includes the details for the CDKN2A (p16INK4a) variant.